The following is an entry in ClinVar:

ClinVar aggregate classification (germline): Uncertain significance (1 of 4 stars; one submission).

Conditions:
Brugada syndrome 8 (BRGDA8). Identifiers: Orphanet 130, MedGen C2751083, MONDO:0013148, OMIM 613123.

gnomAD v4.1: 2 of 1,533,942 alleles (0.00013%); highest among the groups gnomAD compares: South Asian, 0.0012%; no homozygotes.

Submission:

Labcorp Genetics (formerly Invitae), Labcorp
Classification: Uncertain significance for Brugada syndrome 8. Last evaluated: 2023-01-02. Review status: criteria provided, single submitter. Criteria: Invitae Variant Classification Sherloc (09022015). Collection method: clinical testing. Allele origin: germline.
Comment: In summary, the available evidence is currently insufficient to determine the role of this variant in disease. Therefore, it has been classified as a Variant of Uncertain Significance. Advanced modeling of protein sequence and biophysical properties (such as structural, functional, and spatial information, amino acid conservation, physicochemical variation, residue mobility, and thermodynamic stability) performed at Invitae indicates that this missense variant is not expected to disrupt HCN4 protein function. This variant has not been reported in the literature in individuals affected with HCN4-related conditions. This variant is not present in population databases (gnomAD no frequency). This sequence change replaces methionine, which is neutral and non-polar, with threonine, which is neutral and polar, at codon 26 of the HCN4 protein (p.Met26Thr).

NM_005477.3(HCN4):c.77T>C (p.Met26Thr)

Gene: HCN4 (hyperpolarization activated cyclic nucleotide gated potassium channel 4; minus strand). Cytogenetic location: 15q24.1.
Variant type: single nucleotide variant.
Coding change: c.77T>C on transcript NM_005477.3 (MANE Select); coding-DNA position 77, T replaced by C.
Protein change: p.Met26Thr; replaces methionine 26 with threonine.
Molecular consequence: missense variant.
Genome position (GRCh38, 1-based): chr15:73,368,194, A>G on the plus strand (T>C on the coding strand, the complement: HCN4 is on the minus strand). VCF-style: chr15-73368194-A-G. GRCh37 (hg19) VCF-style: chr15-73660535-A-G.
Other names: short protein forms M26T.
Identifiers: ClinVar variation 2898652 (VCV002898652.3), dbSNP rs2549080723, ClinGen allele CA393099110.